The following is an entry in ClinVar:

NM_145698.5(ACBD5):c.1537G>A (p.Val513Met)

Gene: ACBD5 (acyl-CoA binding domain containing 5; minus strand). Cytogenetic location: 10p12.1.
Variant type: single nucleotide variant.
Coding change: c.1537G>A on transcript NM_145698.5 (MANE Select); coding-DNA position 1537, G replaced by A.
Protein change: p.Val513Met; replaces valine 513 with methionine.
Molecular consequence: missense variant.
Genome position (GRCh38, 1-based): chr10:27,204,468, C>T on the plus strand (G>A on the coding strand, the complement: ACBD5 is on the minus strand). VCF-style: chr10-27204468-C-T. GRCh37 (hg19) VCF-style: chr10-27493397-C-T.
Other names: c.1432G>A, p.Val478Met (NM_001042473.4, NM_001352577.2, NM_001352578.2 and 1 more transcripts); c.1531G>A, p.Val511Met (NM_001271512.3); c.1210G>A, p.Val404Met (NM_001301251.2, NM_001301252.2, NM_001301253.2 and 2 more transcripts); c.1006G>A, p.Val336Met (NM_001301254.2); c.1591G>A, p.Val531Met (NM_001352568.1); c.1570G>A, p.Val524Met (NM_001352569.1); c.1537G>A, p.Val513Met (NM_001352570.1); c.1564G>A, p.Val522Met (NM_001352571.1); and 10 more; short protein forms V415M, V456M, V410M, V478M, V489M, V524M, V531M, V336M.
Identifiers: ClinVar variation 1520937 (VCV001520937.6), dbSNP rs757515357, ClinGen allele CA376372638.

ClinVar aggregate classification (germline): Uncertain significance (1 of 4 stars; one submission).

gnomAD v4.1: 1 of 1,613,922 alleles (0.000062%); highest among the groups gnomAD compares: Admixed American, 0.0017%; no homozygotes.

Submission:

Labcorp Genetics (formerly Invitae), Labcorp
Classification: Uncertain significance. Last evaluated: 2022-10-13. Review status: criteria provided, single submitter. Criteria: Invitae Variant Classification Sherloc (09022015). Collection method: clinical testing. Allele origin: germline.
Comment: In summary, the available evidence is currently insufficient to determine the role of this variant in disease. Therefore, it has been classified as a Variant of Uncertain Significance. Advanced modeling of protein sequence and biophysical properties (such as structural, functional, and spatial information, amino acid conservation, physicochemical variation, residue mobility, and thermodynamic stability) performed at Invitae indicates that this missense variant is not expected to disrupt ACBD5 protein function. ClinVar contains an entry for this variant (Variation ID: 1520937). This variant has not been reported in the literature in individuals affected with ACBD5-related conditions. This variant is not present in population databases (gnomAD no frequency). This sequence change replaces valine, which is neutral and non-polar, with methionine, which is neutral and non-polar, at codon 513 of the ACBD5 protein (p.Val513Met).